The following is an entry in ClinVar:

ClinVar aggregate classification (germline): Likely benign. Review status: criteria provided, multiple submitters, no conflicts (2 of 4 stars). 6 submissions from 6 submitters: Likely benign (5). 1 of the submissions does not count toward it. Last evaluated 2026-01-06.

Conditions:
Cardiovascular phenotype. Identifiers: MedGen CN230736.
Cardiomyopathy (CMYO). Also called: Cardiomyopathies. Identifiers: Orphanet 167848, MedGen C0878544, MONDO:0004994, HP:0001638. Inheritance: Various modes of inheritance.
TTN-related disorder. Also called: TTN-related condition; TTN-related disease; TTN-related disorders.
Autosomal recessive limb-girdle muscular dystrophy type 2J (LGMDR10). Also called: Limb-girdle muscular dystrophy, type 2J; MUSCULAR DYSTROPHY, LIMB-GIRDLE, AUTOSOMAL RECESSIVE 10. Identifiers: Orphanet 140922, MedGen C1837342, MONDO:0012127, OMIM 608807.
Dilated cardiomyopathy 1G (CMD1G). Identifiers: Orphanet 154, MedGen C1858763, MONDO:0011400, OMIM 604145.

Allele frequency attached by ClinVar (database versions not stated): gnomAD 0.00001; ExAC 0.00002; gnomAD exomes 0.00002 and 0.00005; TOPMed 0.00004.
gnomAD v4.1: 68 of 1,613,622 alleles (0.0042%); highest among the groups gnomAD compares: Non-Finnish European, 0.0056%; no homozygotes.

Submissions (6):

Labcorp Genetics (formerly Invitae), Labcorp
Classification: Likely benign for Dilated cardiomyopathy 1G; Autosomal recessive limb-girdle muscular dystrophy type 2J. Last evaluated: 2026-01-06. Review status: criteria provided, single submitter. Criteria: Invitae Variant Classification Sherloc (09022015). Collection method: clinical testing. Allele origin: germline.

Blueprint Genetics
Classification: Likely benign. Last evaluated: 2021-03-29. Review status: criteria provided, single submitter. Criteria: ACMG Guidelines, 2015. Collection method: clinical testing. Allele origin: germline.

Ambry Genetics
Classification: Likely benign for Cardiovascular phenotype. Last evaluated: 2020-11-24. Review status: criteria provided, single submitter. Criteria: Ambry Variant Classification Scheme 2023. Collection method: clinical testing. Allele origin: germline.

GeneDx
Classification: Likely benign. Last evaluated: 2019-06-28. Review status: criteria provided, single submitter. Criteria: GeneDx Variant Classification Process June 2021. Collection method: clinical testing. Allele origin: germline. Affected: yes.

CHEO Genetics Diagnostic Laboratory, Children's Hospital of Eastern Ontario
Classification: Likely benign for Cardiomyopathy. Last evaluated: 2016-11-14. Review status: criteria provided, single submitter. Criteria: ACMG Guidelines, 2015. Collection method: clinical testing. Allele origin: germline. Study: Canadian Open Genetics Repository.

PreventionGenetics, part of Exact Sciences
Classification: Likely benign for TTN-related condition. Last evaluated: 2023-08-15. Review status: no assertion criteria provided. Collection method: clinical testing. Allele origin: germline. Not counted in ClinVar's aggregate classification.
Comment: This variant is classified as likely benign based on ACMG/AMP sequence variant interpretation guidelines (Richards et al. 2015 PMID: 25741868, with internal and published modifications).

NM_001267550.2(TTN):c.7779T>C (p.Asn2593=)

Gene: TTN (titin; minus strand). Cytogenetic location: 2q31.2.
Variant type: single nucleotide variant.
Coding change: c.7779T>C on transcript NM_001267550.2 (MANE Select); coding-DNA position 7779, T replaced by C.
Protein change: p.Asn2593=; no amino-acid change (asparagine 2593 retained).
Molecular consequence: synonymous variant.
Genome position (GRCh38, 1-based): chr2:178,773,185, A>G on the plus strand (T>C on the coding strand, the complement: TTN is on the minus strand). VCF-style: chr2-178773185-A-G. GRCh37 (hg19) VCF-style: chr2-179637912-A-G.
Other names: c.7779T>C, p.Asn2593= (NM_001256850.1, NM_133378.4, NM_133379.5); c.7641T>C, p.Asn2547= (NM_003319.4, NM_133432.3, NM_133437.4).
Identifiers: ClinVar variation 516802 (VCV000516802.21), dbSNP rs776560501, ClinGen allele CA2004756.
Genomic context (GRCh38, chr2:178,773,185, plus strand): 5'-TCCAGATGTCATATTTTCTCCCGCGTAAAATGTGTATTTTCCTTCATCATCTTTCATCAT[A>G]TTTAGAACTGTCAATTTATATATTTTTCCATGTGCTTCAATTTTATATTTAGAACTGGGC-3'
Protein context (NP_001254479.2, residues 2583-2603): HGKIYKLTVL[Asn2593=]MMKDDEGKYT